The following is an entry in ClinVar:

ClinVar aggregate classification (germline): Likely benign (0 of 4 stars; one submission).

Conditions:
KLHL1-related disorder. Also called: KLHL1-related condition.

Allele frequency attached by ClinVar (database versions not stated): gnomAD 0.00006; TOPMed 0.00010; ExAC 0.00020; 1000 Genomes Project 30x 0.00031; 1000 Genomes Project 0.00040.
gnomAD v4.1: 49 of 1,587,496 alleles (0.0031%); highest among the groups gnomAD compares: East Asian, 0.1%; no homozygotes.

Submission:

PreventionGenetics, part of Exact Sciences
Classification: Likely benign for KLHL1-related condition. Last evaluated: 2019-05-29. Review status: no assertion criteria provided. Collection method: clinical testing. Allele origin: germline.
Comment: This variant is classified as likely benign based on ACMG/AMP sequence variant interpretation guidelines (Richards et al. 2015 PMID: 25741868, with internal and published modifications).

NM_020866.3(KLHL1):c.87C>G (p.Thr29=)

Genes: ATXN8OS (ATXN8 opposite strand lncRNA; plus strand), KLHL1 (kelch like family member 1; minus strand). Cytogenetic location: 13q21.33.
Variant type: single nucleotide variant.
Coding change: c.87C>G on transcript NM_020866.3 (MANE Select); coding-DNA position 87, C replaced by G.
Protein change: p.Thr29=; no amino-acid change (threonine 29 retained).
Molecular consequence: synonymous variant. On other transcripts: non-coding transcript variant (2).
Genome position (GRCh38, 1-based): chr13:70,107,613, G>C on the plus strand (C>G on the coding strand, the complement: KLHL1 is on the minus strand). VCF-style: chr13-70107613-G-C. GRCh37 (hg19) VCF-style: chr13-70681745-G-C.
Other names: c.87C>G, p.Thr29= (NM_001286725.2).
Identifiers: ClinVar variation 3039726 (VCV003039726.2), dbSNP rs191673952, ClinGen allele CA6999604.